The following is an entry in ClinVar:

NM_133433.4(NIPBL):c.6098C>G (p.Thr2033Ser)

Gene: NIPBL (NIPBL cohesin loading factor; plus strand). Cytogenetic location: 5p13.2.
Variant type: single nucleotide variant.
Coding change: c.6098C>G on transcript NM_133433.4 (MANE Select); coding-DNA position 6098, C replaced by G.
Protein change: p.Thr2033Ser; replaces threonine 2033 with serine.
Molecular consequence: missense variant.
Genome position (GRCh38, 1-based): chr5:37,038,728, C>G. VCF-style: chr5-37038728-C-G. GRCh37 (hg19) VCF-style: chr5-37038830-C-G.
Other names: c.6098C>G, p.Thr2033Ser (NM_015384.5); short protein forms T2033S.
Identifiers: ClinVar variation 2702445 (VCV002702445.4), dbSNP rs2478517899, ClinGen allele CA359498813.

ClinVar aggregate classification (germline): Uncertain significance. Review status: criteria provided, multiple submitters, no conflicts (2 of 4 stars). 2 submissions from 2 submitters: Uncertain significance (2). Last evaluated 2024-05-04.

Conditions:
Cornelia de Lange syndrome 1 (CDLS1). Also called: Brachmann de Lange syndrome; TYPUS DEGENERATIVUS AMSTELODAMENSIS; NIPBL-Related Cornelia de Lange Syndrome. Identifiers: Orphanet 199, MedGen C4551851, MONDO:0007387, OMIM 122470.

Submissions (2):

Fulgent Genetics
Classification: Uncertain significance for Cornelia de Lange syndrome 1. Last evaluated: 2024-05-04. Review status: criteria provided, single submitter. Criteria: ACMG Guidelines, 2015. Collection method: clinical testing. Allele origin: germline.

Labcorp Genetics (formerly Invitae), Labcorp
Classification: Uncertain significance for Cornelia de Lange syndrome 1. Last evaluated: 2023-12-12. Review status: criteria provided, single submitter. Criteria: Invitae Variant Classification Sherloc (09022015). Collection method: clinical testing. Allele origin: germline.
Comment: This sequence change replaces threonine, which is neutral and polar, with serine, which is neutral and polar, at codon 2033 of the NIPBL protein (p.Thr2033Ser). This variant is not present in population databases (gnomAD no frequency). This variant has not been reported in the literature in individuals affected with NIPBL-related conditions. Advanced modeling of protein sequence and biophysical properties (such as structural, functional, and spatial information, amino acid conservation, physicochemical variation, residue mobility, and thermodynamic stability) performed at Invitae indicates that this missense variant is not expected to disrupt NIPBL protein function with a negative predictive value of 95%. In summary, the available evidence is currently insufficient to determine the role of this variant in disease. Therefore, it has been classified as a Variant of Uncertain Significance.